The following is an entry in ClinVar:

ClinVar aggregate classification (germline): Uncertain significance (0 of 4 stars; one submission).

Submission:

Richard Lifton Laboratory, Yale University School of Medicine
Classification: Uncertain significance. Review status: no assertion criteria provided. Collection method: not provided. Allele origin: somatic.
Comment: MYH4
ClinVar note: Converted during submission from unknown to Uncertain significance.

NM_017533.2(MYH4):c.4849A>G (p.Arg1617Gly)

Genes: MYH4 (myosin heavy chain 4; minus strand), MYHAS (myosin heavy chain gene cluster antisense RNA; plus strand), LOC126862495 (CDK7 strongly-dependent group 2 enhancer GRCh37_chr17:10350156-10351355; plus strand). Cytogenetic location: 17p13.1.
Variant type: single nucleotide variant.
Coding change: c.4849A>G on transcript NM_017533.2 (MANE Select); coding-DNA position 4849, A replaced by G.
Protein change: p.Arg1617Gly; replaces arginine 1617 with glycine.
Molecular consequence: missense variant.
Genome position (GRCh38, 1-based): chr17:10,447,934, T>C on the plus strand (A>G on the coding strand, the complement: MYH4 is on the minus strand). VCF-style: chr17-10447934-T-C. GRCh37 (hg19) VCF-style: chr17-10351251-T-C.
Other names: short protein forms R1617G.
Identifiers: ClinVar variation 91994 (VCV000091994.2), dbSNP rs386352334, ClinGen allele CA232313.